The following is an entry in ClinVar:

NM_001286.5(CLCN6):c.1993C>T (p.Leu665Phe)

Gene: CLCN6 (Cl-/H+ antiporter 6; plus strand). Cytogenetic location: 1p36.22.
Variant type: single nucleotide variant.
Coding change: c.1993C>T on transcript NM_001286.5 (MANE Select); coding-DNA position 1993, C replaced by T.
Protein change: p.Leu665Phe; replaces leucine 665 with phenylalanine.
Molecular consequence: missense variant. On other transcripts: non-coding transcript variant (1).
Genome position (GRCh38, 1-based): chr1:11,837,011, C>T. VCF-style: chr1-11837011-C-T. GRCh37 (hg19) VCF-style: chr1-11897068-C-T.
Other names: c.1927C>T, p.Leu643Phe (NM_001256959.2); short protein forms L643F, L665F.
Identifiers: ClinVar variation 1506305 (VCV001506305.6), dbSNP rs1644958369, ClinGen allele CA338439301.

ClinVar aggregate classification (germline): Uncertain significance (1 of 4 stars; one submission).

Allele frequency attached by ClinVar (database versions not stated): gnomAD exomes below 0.00001.
gnomAD v4.1: 1 of 1,610,224 alleles (0.000062%); highest among the groups gnomAD compares: South Asian, 0.0011%; no homozygotes.

Submission:

Labcorp Genetics (formerly Invitae), Labcorp
Classification: Uncertain significance. Last evaluated: 2025-05-21. Review status: criteria provided, single submitter. Criteria: Invitae Variant Classification Sherloc (09022015). Collection method: clinical testing. Allele origin: germline.
Comment: This sequence change replaces leucine, which is neutral and non-polar, with phenylalanine, which is neutral and non-polar, at codon 665 of the CLCN6 protein (p.Leu665Phe). This variant is not present in population databases (gnomAD no frequency). This variant has not been reported in the literature in individuals affected with CLCN6-related conditions. ClinVar contains an entry for this variant (Variation ID: 1506305). An algorithm developed to predict the effect of missense changes on protein structure and function (PolyPhen-2) suggests that this variant is likely to be tolerated. In summary, the available evidence is currently insufficient to determine the role of this variant in disease. Therefore, it has been classified as a Variant of Uncertain Significance.